The following is an entry in ClinVar:

NM_000018.4(ACADVL):c.1807dup (p.Cys603fs)

Gene: ACADVL (acyl-CoA dehydrogenase very long chain; plus strand). Cytogenetic location: 17p13.1.
Variant type: Duplication.
Coding change: c.1807dup on transcript NM_000018.4 (MANE Select); coding-DNA position 1807, one base duplicated (T; older notation c.1807dupT).
Protein change: p.Cys603fs; shifts the reading frame from cysteine 603.
Molecular consequence: frameshift variant.
Genome position (GRCh38, 1-based): chr17:7,224,864, T duplicated. VCF-style (leftmost placement, unchanged base first): chr17-7224863-C-CT. GRCh37 (hg19) VCF-style: chr17-7128182-C-CT.
Other names: NM_000018.4(ACADVL):c.1807dup; p.Cys603fs; c.1741dup, p.Cys581fs (NM_001033859.3); c.1876dup, p.Cys626fs (NM_001270447.2); c.1579dup, p.Cys527fs (NM_001270448.2); c.1807dupT (NM_000018.2, NM_000018.3, NM_000018.4); c.1807dup (NM_000018.2); short protein forms C626fs, C527fs, C581fs, C603fs.
Identifiers: ClinVar variation 418698 (VCV000418698.21), dbSNP rs1555529088, ClinGen allele CA16620602.

ClinVar aggregate classification (germline): Uncertain significance. Review status: reviewed by expert panel (3 of 4 stars). 7 submissions from 7 submitters: Uncertain significance (1). 6 of the submissions do not count toward it. Last evaluated 2026-07-14.

Conditions:
Very long chain acyl-CoA dehydrogenase deficiency (ACADVLD). Also called: VLCAD Deficiency; Very Long-Chain Acyl-Coenzyme A Dehydrogenase Deficiency. Identifiers: Orphanet 26793, MedGen C3887523, MONDO:0008723, OMIM 201475.

Allele frequency attached by ClinVar (database versions not stated): gnomAD exomes below 0.00001; gnomAD 0.00001; TOPMed 0.00002.

Submissions (7):

ClinGen ACADVL Variant Curation Expert Panel, ClinGen
Classification: Uncertain significance for Very long chain acyl-CoA dehydrogenase deficiency. Last evaluated: 2026-07-14. Review status: reviewed by expert panel. Criteria: ClinGen ACADVL ACMG Specifications ACADVL V2.1. Collection method: curation. Allele origin: germline. Inheritance: Autosomal recessive inheritance.
Comment: The c.1807dup (p.Cys603fs) variant in ACADVL, also known as p.Cys603LeufsTer2, is a frameshift variant that may cause loss of function of the protein; however it is predicted to escape nonsense mediated decay and remove <10% of the protein (PVS1_Moderate). At least one individual with this variant was identified by newborn screen, but this information is insufficient to use toward classification (PMIDs: 27590926, 20480395). Additionally, at least one individual with this variant displayed dilated cardiomyopathy, but this information is insufficient to use toward classification (PMID: 32746448). This variant is absent from gnomAD v2.1.1 (PM2_Supporting). Due to limited evidence, this variant is classified as a variant of uncertain significance for autosomal recessive very long chain acyl-CoA dehydrogenase (VLCAD) deficiency based on the ACMG/AMP criteria applied, as specified by the ClinGen ACADVL Variant Curation Expert Panel: PVS1_Moderate, PM2_Supporting (ACADVL VCEP specifications version 2.1.0; approved September 4, 2025)

Women's Health and Genetics/Laboratory Corporation of America, LabCorp
Classification: Pathogenic for Very long chain acyl-CoA dehydrogenase deficiency. Last evaluated: 2026-06-08. Review status: criteria provided, single submitter. Criteria: LabCorp Variant Classification Summary - May 2015. Collection method: clinical testing. Allele origin: germline. Not counted in ClinVar's aggregate classification.
Comment: Variant summary: ACADVL c.1807dupT (p.Cys603LeufsX2) results in a premature termination codon, predicted to cause a truncation of the encoded protein or absence of the protein due to nonsense mediated decay, which are commonly known mechanisms for disease. The variant was absent in 251356 control chromosomes. c.1807dupT has been observed in individual(s) affected with ACADVL-related conditions. These data indicate that the variant may be associated with disease. To our knowledge, no experimental evidence demonstrating an impact on protein function has been reported. At least one downstream variant has been classified as Pathogenic (c.1838G>A , p.Arg613Gln) by our lab, providing evidence that the region altered by the variant is critical to protein function. The following publication have been ascertained in the context of this evaluation (PMID: 32746448). ClinVar contains an entry for this variant (Variation ID: 418698). Based on the evidence outlined above, the variant was classified as pathogenic.

Labcorp Genetics (formerly Invitae), Labcorp
Classification: Pathogenic for Very long chain acyl-CoA dehydrogenase deficiency. Last evaluated: 2025-12-10. Review status: criteria provided, single submitter. Criteria: Invitae Variant Classification Sherloc (09022015). Collection method: clinical testing. Allele origin: germline. Not counted in ClinVar's aggregate classification.
Comment: This sequence change creates a premature translational stop signal (p.Cys603Leufs*2) in the ACADVL gene. While this is not anticipated to result in nonsense mediated decay, it is expected to disrupt the last 53 amino acid(s) of the ACADVL protein. This variant is not present in population databases (gnomAD no frequency). This variant has not been reported in the literature in individuals affected with ACADVL-related conditions. ClinVar contains an entry for this variant (Variation ID: 418698). Experimental studies and prediction algorithms are not available or were not evaluated, and the functional significance of this variant is currently unknown. This variant disrupts a region of the ACADVL protein in which other variant(s) (p.Arg615*) have been determined to be pathogenic (PMID: 10431122). This suggests that this is a clinically significant region of the protein, and that variants that disrupt it are likely to be disease-causing. For these reasons, this variant has been classified as Pathogenic.

Natera, Inc.
Classification: Likely pathogenic for Very long chain acyl-CoA dehydrogenase deficiency. Last evaluated: 2025-10-08. Review status: criteria provided, single submitter. Criteria: Natera Variant Classification Schema (03/2026). Collection method: clinical testing. Allele origin: germline. Not counted in ClinVar's aggregate classification.
Comment: The c.1807dupT variant in ACADVL is a frameshift variant predicted to shift the reading frame beginning at codon 603 and leads to a stop codon 2 codons downstream. This variant is expected to result in nonsense mediated decay, truncation, or a dysfunctional protein product. This variant is rare in the general population with a frequency below the threshold expected for the associated phenotype(s). This variant has been observed in one or more individuals affected with the associated recessive disease, as either homozygous or compound heterozygous with a second variant (PMID: 27590926). Given the available evidence, this variant is classified as Likely Pathogenic.

Baylor Genetics
Classification: Pathogenic for Very long chain acyl-CoA dehydrogenase deficiency. Last evaluated: 2024-03-04. Review status: criteria provided, single submitter. Criteria: ACMG Guidelines, 2015. Collection method: clinical testing. Allele origin: unknown. Not counted in ClinVar's aggregate classification.

GeneDx
Classification: Pathogenic. Last evaluated: 2022-08-24. Review status: criteria provided, single submitter. Criteria: GeneDx Variant Classification Process June 2021. Collection method: clinical testing. Allele origin: germline. Affected: yes. Not counted in ClinVar's aggregate classification.
Comment: Frameshift variant predicted to result in protein truncation or nonsense mediated decay in a gene for which loss of function is a known mechanism of disease; Not observed at significant frequency in large population cohorts (gnomAD); This variant is associated with the following publications: (PMID: 32746448)

Wong Mito Lab, Molecular and Human Genetics, Baylor College of Medicine
Classification: Pathogenic for Very long chain acyl-CoA dehydrogenase deficiency. Last evaluated: 2019-11-01. Review status: criteria provided, single submitter. Criteria: ACMG Guidelines, 2015. Collection method: clinical testing. Allele origin: germline. Not counted in ClinVar's aggregate classification.
Comment: The NM_000018.3:c.1807dupT (NP_000009.1:p.Cys603LeufsTer2) [GRCH38: NC_000017.11:g.7224864dup] variant in ACADVL gene is interpretated to be Pathogenic based on ACMG guidelines (PMID: 25741868). This variant has been reported. This variant meets the following evidence codes reported in the ACMG guidelines: PVS1, PS3

Literature cited by the submitters: PubMed 32746448 (cited by Women's Health and Genetics/Laboratory Corporation of America, LabCorp); PubMed 10431122 (cited by Labcorp Genetics (formerly Invitae), Labcorp); PubMed 27590926 (cited by Natera, Inc.).